The following is an entry in ClinVar:

NM_003660.4(PPFIA3):c.1725C>A (p.Asp575Glu)

Gene: PPFIA3 (PPFI scaffold protein A3; plus strand). Cytogenetic location: 19q13.33.
Variant type: single nucleotide variant.
Coding change: c.1725C>A on transcript NM_003660.4 (MANE Select); coding-DNA position 1725, C replaced by A.
Protein change: p.Asp575Glu; replaces aspartic acid 575 with glutamic acid.
Molecular consequence: missense variant. On other transcripts: non-coding transcript variant (1).
Genome position (GRCh38, 1-based): chr19:49,136,783, C>A. VCF-style: chr19-49136783-C-A. GRCh37 (hg19) VCF-style: chr19-49640040-C-A.
Other names: short protein forms D575E.
Identifiers: ClinVar variation 3342434 (VCV003342434.2).

ClinVar aggregate classification (germline): Uncertain significance (1 of 4 stars; one submission).

gnomAD v4.1: 3 of 1,588,934 alleles (0.00019%); highest among the groups gnomAD compares: Non-Finnish European, 0.00017%; no homozygotes.

Submission:

GeneDx
Classification: Uncertain significance. Last evaluated: 2026-01-07. Review status: criteria provided, single submitter. Criteria: GeneDx Variant Classification Process June 2021. Collection method: clinical testing. Allele origin: germline.
Comment: Not observed at significant frequency in large population cohorts (gnomAD); In silico analysis suggests that this missense variant does not alter protein structure/function; Has not been previously published as pathogenic or benign to our knowledge